The following is an entry in ClinVar:

NM_000562.3(C8A):c.1696G>A (p.Ala566Thr)

Gene: C8A (complement C8 alpha chain; plus strand). Cytogenetic location: 1p32.2.
Variant type: single nucleotide variant.
Coding change: c.1696G>A on transcript NM_000562.3 (MANE Select); coding-DNA position 1696, G replaced by A.
Protein change: p.Ala566Thr; replaces alanine 566 with threonine.
Molecular consequence: missense variant.
Genome position (GRCh38, 1-based): chr1:56,917,657, G>A. VCF-style: chr1-56917657-G-A. GRCh37 (hg19) VCF-style: chr1-57383330-G-A.
Other names: short protein forms A566T.
Identifiers: ClinVar variation 1423231 (VCV001423231.6), dbSNP rs369360225, ClinGen allele CA340517250.

ClinVar aggregate classification (germline): Uncertain significance (1 of 4 stars; one submission).

Submission:

Labcorp Genetics (formerly Invitae), Labcorp
Classification: Uncertain significance. Last evaluated: 2022-06-23. Review status: criteria provided, single submitter. Criteria: Invitae Variant Classification Sherloc (09022015). Collection method: clinical testing. Allele origin: germline.
Comment: This variant is not present in population databases (gnomAD no frequency). In summary, the available evidence is currently insufficient to determine the role of this variant in disease. Therefore, it has been classified as a Variant of Uncertain Significance. Algorithms developed to predict the effect of missense changes on protein structure and function output the following: SIFT: "Tolerated"; PolyPhen-2: "Benign"; Align-GVGD: "Class C0". The threonine amino acid residue is found in multiple mammalian species, which suggests that this missense change does not adversely affect protein function. This variant has not been reported in the literature in individuals affected with C8A-related conditions. This sequence change replaces alanine, which is neutral and non-polar, with threonine, which is neutral and polar, at codon 566 of the C8A protein (p.Ala566Thr).